The following is an entry in ClinVar:

ClinVar aggregate classification (germline): Conflicting classifications of pathogenicity. Review status: criteria provided, conflicting classifications (1 of 4 stars). 2 submissions from 2 submitters: Uncertain significance (1); Likely benign (1). Last evaluated 2025-11-12.

Conditions:
Hereditary cancer-predisposing syndrome. Also called: Neoplastic Syndromes, Hereditary; Hereditary neoplastic syndrome; Tumor predisposition; Hereditary Cancer Syndrome. Identifiers: Orphanet 140162, MedGen C0027672, MeSH D009386, MONDO:0015356.
Cardiovascular phenotype. Identifiers: MedGen CN230736.

Allele frequency attached by ClinVar (database versions not stated): gnomAD exomes below 0.00001; TOPMed 0.00002.
gnomAD v4.1: 2 of 1,595,128 alleles (0.00013%); highest among the groups gnomAD compares: East Asian, 0.0045%; no homozygotes.

Submissions (2):

Labcorp Genetics (formerly Invitae), Labcorp
Classification: Uncertain significance. Last evaluated: 2025-11-12. Review status: criteria provided, single submitter. Criteria: Invitae Variant Classification Sherloc (09022015). Collection method: clinical testing. Allele origin: germline.
Comment: This sequence change replaces valine, which is neutral and non-polar, with alanine, which is neutral and non-polar, at codon 499 of the LZTR1 protein (p.Val499Ala). This variant is not present in population databases (gnomAD no frequency). This variant has not been reported in the literature in individuals affected with LZTR1-related conditions. ClinVar contains an entry for this variant (Variation ID: 2454821). Invitae Evidence Modeling of protein sequence and biophysical properties (such as structural, functional, and spatial information, amino acid conservation, physicochemical variation, residue mobility, and thermodynamic stability) indicates that this missense variant is not expected to disrupt LZTR1 protein function with a negative predictive value of 80%. In summary, the available evidence is currently insufficient to determine the role of this variant in disease. Therefore, it has been classified as a Variant of Uncertain Significance.

Ambry Genetics
Classification: Likely benign for Cardiovascular phenotype; Hereditary cancer-predisposing syndrome. Last evaluated: 2025-03-17. Review status: criteria provided, single submitter. Criteria: Ambry Variant Classification Scheme 2023. Collection method: clinical testing. Allele origin: germline.

NM_006767.4(LZTR1):c.1496T>C (p.Val499Ala)

Gene: LZTR1 (leucine zipper like post translational regulator 1; plus strand). Cytogenetic location: 22q11.21.
Variant type: single nucleotide variant.
Coding change: c.1496T>C on transcript NM_006767.4 (MANE Select); coding-DNA position 1496, T replaced by C.
Protein change: p.Val499Ala; replaces valine 499 with alanine.
Molecular consequence: missense variant.
Genome position (GRCh38, 1-based): chr22:20,994,150, T>C. VCF-style: chr22-20994150-T-C. GRCh37 (hg19) VCF-style: chr22-21348439-T-C.
Other names: short protein forms V499A.
Identifiers: ClinVar variation 2454821 (VCV002454821.4), dbSNP rs1924717650, ClinGen allele CA410775635.
Genomic context (GRCh38, chr22:20,994,150, plus strand): 5'-CCTTCTCCCCACAGAAGCTGGAGCAGGAGGCCGCCCCAGTTCCCAGGGAGGCCCCCGGCG[T>C]GGCTGCTGGTGGGGCCCGGCCGCCCCTGCTGCACGTGGCCATCCGGGAGGCCGAGGCCCG-3'
Protein context (NP_006758.2, residues 489-509): AAPVPREAPG[Val499Ala]AAGGARPPLL